The following is an entry in ClinVar:

ClinVar aggregate classification (germline): Conflicting classifications of pathogenicity. Review status: criteria provided, conflicting classifications (1 of 4 stars). 2 submissions from 2 submitters: Uncertain significance (1); Benign (1). Last evaluated 2025-12-29.

Conditions:
Familial cancer of breast. Also called: hereditary breast carcinoma; Hereditary breast cancer; BREAST CANCER, FAMILIAL. Identifiers: Orphanet 227535, MedGen C0346153, MONDO:0016419, OMIM 114480. Disease mechanism: loss of function.

gnomAD v4.1: 2 of 1,613,910 alleles (0.00012%); highest among the groups gnomAD compares: Non-Finnish European, 0.00017%; no homozygotes.

Submissions (2):

Center for Genomic Medicine, Rigshospitalet, Copenhagen University Hospital
Classification: Uncertain significance. Last evaluated: 2025-12-29. Review status: criteria provided, single submitter. Criteria: ACMG Guidelines, 2015. Collection method: clinical testing. Allele origin: germline.

Myriad Genetics, Inc.
Classification: Benign for Familial cancer of breast. Last evaluated: 2024-07-26. Review status: criteria provided, single submitter. Criteria: Myriad Autosomal Dominant, Autosomal Recessive and X-Linked Classification Criteria (2023). Collection method: clinical testing. Allele origin: unknown.
Comment: This variant is considered benign. This variant is a silent/synonymous amino acid change and it is not expected to impact splicing.

NM_000465.4(BARD1):c.1851C>G (p.Thr617=)

Gene: BARD1 (BRCA1 associated RING domain 1; minus strand). Cytogenetic location: 2q35.
Variant type: single nucleotide variant.
Coding change: c.1851C>G on transcript NM_000465.4 (MANE Select); coding-DNA position 1851, C replaced by G.
Protein change: p.Thr617=; no amino-acid change (threonine 617 retained).
Molecular consequence: synonymous variant. On other transcripts: non-coding transcript variant (3), intron variant (1).
Genome position (GRCh38, 1-based): chr2:214,745,119, G>C on the plus strand (C>G on the coding strand, the complement: BARD1 is on the minus strand). VCF-style: chr2-214745119-G-C. GRCh37 (hg19) VCF-style: chr2-215609843-G-C.
Other names: c.1794C>G, p.Thr598= (NM_001282543.2); c.498C>G, p.Thr166= (NM_001282545.2); c.441C>G, p.Thr147= (NM_001282548.2); c.365-14611C>G (NM_001282549.2).
Identifiers: ClinVar variation 3378981 (VCV003378981.2).